The following is an entry in ClinVar:

ClinVar aggregate classification (germline): Uncertain significance. Review status: criteria provided, multiple submitters, no conflicts (2 of 4 stars). 4 submissions from 4 submitters: Uncertain significance (3). 1 of the submissions does not count toward it. Last evaluated 2025-07-28.

Conditions:
Severe combined immunodeficiency, autosomal recessive, T cell-negative, B cell-negative, NK cell-negative, due to adenosine deaminase deficiency. Also called: ADA deficiency; Adenosine deaminase deficient severe combined immunodeficiency; Severe combined immunodeficiency due to ADA deficiency; Adenosine Deaminase Deficiency; SCID DUE TO ADA DEFICIENCY; SCID DUE TO ADA DEFICIENCY, EARLY-ONSET. Identifiers: Orphanet 277, MedGen C0392607, MONDO:0007064, OMIM 102700.
ADA-related disorder. Also called: ADA-related condition.

Allele frequency attached by ClinVar (database versions not stated): ExAC 0.00007; gnomAD exomes 0.00008; gnomAD 0.00011; TOPMed 0.00014; ESP Exome Variant Server 0.00015.
gnomAD v4.1: 96 of 1,614,198 alleles (0.0059%); highest among the groups gnomAD compares: Admixed American, 0.012%; no homozygotes.

Submissions (4):

PreventionGenetics, part of Exact Sciences
Classification: Uncertain significance for ADA-related condition. Last evaluated: 2025-07-28. Review status: criteria provided, single submitter. Criteria: ACMG Guidelines, 2015. Collection method: clinical testing. Allele origin: germline.
Comment: The ADA c.664G>A variant is predicted to result in the amino acid substitution p.Glu222Lys. To our knowledge, this variant has not been reported in the literature. This variant is reported in 0.036% of alleles in individuals of European (Finnish) descent in gnomAD. At this time, the clinical significance of this variant is uncertain due to the absence of conclusive functional and genetic evidence.

Labcorp Genetics (formerly Invitae), Labcorp
Classification: Uncertain significance for Severe combined immunodeficiency, autosomal recessive, T cell-negative, B cell-negative, NK cell-negative, due to adenosine deaminase deficiency. Last evaluated: 2022-08-16. Review status: criteria provided, single submitter. Criteria: Invitae Variant Classification Sherloc (09022015). Collection method: clinical testing. Allele origin: germline.
Comment: This sequence change replaces glutamic acid, which is acidic and polar, with lysine, which is basic and polar, at codon 222 of the ADA protein (p.Glu222Lys). This variant is present in population databases (rs371353841, gnomAD 0.04%). This variant has not been reported in the literature in individuals affected with ADA-related conditions. ClinVar contains an entry for this variant (Variation ID: 972451). Advanced modeling of protein sequence and biophysical properties (such as structural, functional, and spatial information, amino acid conservation, physicochemical variation, residue mobility, and thermodynamic stability) performed at Invitae indicates that this missense variant is not expected to disrupt ADA protein function. In summary, the available evidence is currently insufficient to determine the role of this variant in disease. Therefore, it has been classified as a Variant of Uncertain Significance.

Mayo Clinic Laboratories, Mayo Clinic
Classification: Uncertain significance. Last evaluated: 2022-05-19. Review status: criteria provided, single submitter. Criteria: ACMG Guidelines, 2015. Collection method: clinical testing. Allele origin: germline. Observed: 1 variant allele.
Comment: BP4

Natera, Inc.
Classification: Uncertain significance for Severe combined immunodeficiency due to ADA deficiency. Last evaluated: 2020-01-17. Review status: no assertion criteria provided. Collection method: clinical testing. Allele origin: germline. Not counted in ClinVar's aggregate classification.

NM_000022.4(ADA):c.664G>A (p.Glu222Lys)

Gene: ADA (adenosine deaminase; minus strand). Cytogenetic location: 20q13.12.
Variant type: single nucleotide variant.
Coding change: c.664G>A on transcript NM_000022.4 (MANE Select); coding-DNA position 664, G replaced by A.
Protein change: p.Glu222Lys; replaces glutamic acid 222 with lysine.
Molecular consequence: missense variant. On other transcripts: non-coding transcript variant (1), intron variant (1).
Genome position (GRCh38, 1-based): chr20:44,623,021, C>T on the plus strand (G>A on the coding strand, the complement: ADA is on the minus strand). VCF-style: chr20-44623021-C-T. GRCh37 (hg19) VCF-style: chr20-43251662-C-T.
Other names: p.Glu222Lys; c.664G>A (NM_000022.3); c.259G>A, p.Glu87Lys (NM_001322050.2); c.607-91G>A (NM_001322051.2); short protein forms E87K, E222K.
Identifiers: ClinVar variation 972451 (VCV000972451.9), dbSNP rs371353841, ClinGen allele CA9871570.